The following is an entry in ClinVar:

ClinVar aggregate classification (germline): Uncertain significance (1 of 4 stars; one submission).

Conditions:
Inborn genetic diseases. Identifiers: MedGen C0950123, MeSH D030342.

Submission:

Ambry Genetics
Classification: Uncertain significance for Inborn genetic diseases. Last evaluated: 2025-01-01. Review status: criteria provided, single submitter. Criteria: Ambry Variant Classification Scheme 2023. Collection method: clinical testing. Allele origin: germline.
Comment: The p.T44K variant (also known as c.131C>A), located in coding exon 2 of the RTEL1 gene, results from a C to A substitution at nucleotide position 131. The threonine at codon 44 is replaced by lysine, an amino acid with similar properties. This amino acid position is conserved. In addition, this alteration is predicted to be deleterious by in silico analysis. Based on the available evidence, the clinical significance of this variant remains unclear.

NM_001283009.2(RTEL1):c.131C>A (p.Thr44Lys)

Genes: RTEL1 (regulator of telomere elongation helicase 1; plus strand), RTEL1-TNFRSF6B (RTEL1-TNFRSF6B readthrough (NMD candidate); plus strand). Cytogenetic location: 20q13.33.
Variant type: single nucleotide variant.
Coding change: c.131C>A on transcript NM_001283009.2 (MANE Select); coding-DNA position 131, C replaced by A.
Protein change: p.Thr44Lys; replaces threonine 44 with lysine.
Molecular consequence: missense variant. On other transcripts: non-coding transcript variant (1), 5 prime UTR variant (1).
Genome position (GRCh38, 1-based): chr20:63,661,326, C>A. VCF-style: chr20-63661326-C-A. GRCh37 (hg19) VCF-style: chr20-62292679-C-A.
Other names: c.-539C>A (NM_001283010.1); c.131C>A, p.Thr44Lys (NM_016434.4, NM_032957.5); short protein forms T44K.
Identifiers: ClinVar variation 3791013 (VCV003791013.1).
Genomic context (GRCh38, chr20:63,661,326, plus strand): 5'-TCCCCGTAACCCTTGCTCCGAACTCCGTTCAGAAGGTGAATGGCATCCTGGAGAGCCCTA[C>A]GGGTACAGGGAAGACGCTGTGCCTGCTGTGCACCACGCTGGCCTGGCGAGAACACCTCCG-3'
Protein context (NP_001269938.1, residues 34-54): QKVNGILESP[Thr44Lys]GTGKTLCLLC